The following is an entry in ClinVar:

NM_001040167.2(LFNG):c.266G>T (p.Gly89Val)

Gene: LFNG (LFNG O-fucosylpeptide 3-beta-N-acetylglucosaminyltransferase; plus strand). Cytogenetic location: 7p22.3.
Variant type: single nucleotide variant.
Coding change: c.266G>T on transcript NM_001040167.2 (MANE Select); coding-DNA position 266, G replaced by T.
Protein change: p.Gly89Val; replaces glycine 89 with valine.
Molecular consequence: missense variant. On other transcripts: intron variant (2).
Genome position (GRCh38, 1-based): chr7:2,520,127, G>T. VCF-style: chr7-2520127-G-T. GRCh37 (hg19) VCF-style: chr7-2559761-G-T.
Other names: c.266G>T, p.Gly89Val (NM_001040168.2); c.220-4568G>T (NM_001166355.2); c.45+1529G>T (NM_002304.3); short protein forms G89V.
Identifiers: ClinVar variation 850063 (VCV000850063.9), dbSNP rs938320862, ClinGen allele CA12494301.

ClinVar aggregate classification (germline): Uncertain significance. Review status: criteria provided, multiple submitters, no conflicts (2 of 4 stars). 2 submissions from 2 submitters: Uncertain significance (2). Last evaluated 2025-08-27.

Conditions:
Spondylocostal dysostosis 3, autosomal recessive (SCDO3). Also called: LFNG-Related Spondylocostal Dysostosis, Autosomal Recessive. Identifiers: Orphanet 2311, MedGen C1853296, MONDO:0012349, OMIM 609813.
Inborn genetic diseases. Identifiers: MedGen C0950123, MeSH D030342.

Allele frequency attached by ClinVar (database versions not stated): gnomAD 0.00006; TOPMed 0.00006.
gnomAD v4.1: 67 of 1,351,030 alleles (0.005%); highest among the groups gnomAD compares: Non-Finnish European, 0.0058%; no homozygotes.

Submissions (2):

Ambry Genetics
Classification: Uncertain significance for Inborn genetic diseases. Last evaluated: 2025-08-27. Review status: criteria provided, single submitter. Criteria: Ambry Variant Classification Scheme 2023. Collection method: clinical testing. Allele origin: germline.

Labcorp Genetics (formerly Invitae), Labcorp
Classification: Uncertain significance for Spondylocostal dysostosis 3, autosomal recessive. Last evaluated: 2021-08-30. Review status: criteria provided, single submitter. Criteria: Invitae Variant Classification Sherloc (09022015). Collection method: clinical testing. Allele origin: germline.
Comment: This sequence change replaces glycine with valine at codon 89 of the LFNG protein (p.Gly89Val). The glycine residue is weakly conserved and there is a moderate physicochemical difference between glycine and valine. The frequency data for this variant in the population databases is considered unreliable, as metrics indicate insufficient coverage at this position in the ExAC database. This variant has not been reported in the literature in individuals affected with LFNG-related conditions. Algorithms developed to predict the effect of missense changes on protein structure and function (SIFT, PolyPhen-2, Align-GVGD) all suggest that this variant is likely to be tolerated. In summary, the available evidence is currently insufficient to determine the role of this variant in disease. Therefore, it has been classified as a Variant of Uncertain Significance.